The following is an entry in ClinVar:

ClinVar aggregate classification (germline): Pathogenic (1 of 4 stars; one submission).

Submission:

Labcorp Genetics (formerly Invitae), Labcorp
Classification: Pathogenic. Last evaluated: 2023-03-13. Review status: criteria provided, single submitter. Criteria: Invitae Variant Classification Sherloc (09022015). Collection method: clinical testing. Allele origin: unknown.
Comment: For these reasons, this variant has been classified as Pathogenic. This variant has not been reported in the literature in individuals affected with ADCY10-related conditions. This variant is a gross deletion of the genomic region encompassing exon(s) 26 of the ADCY10 gene. This deletion is out-of-frame, and is expected to create a premature termination codon and result in an absent or disrupted protein product. Loss-of-function variants in ADCY10 are known to be pathogenic (PMID: 31119281).

Literature cited by the submitters: PubMed 31119281.

NC_000001.10:g.(?_167798485)_(167798681_?)del

Gene: ADCY10 (adenylate cyclase 10; minus strand). Cytogenetic location: 1q24.2.
Variant type: Deletion.
Identifiers: ClinVar variation 3248012 (VCV003248012.1).